The following is an entry in ClinVar:

ClinVar aggregate classification (germline): Likely benign (0 of 4 stars; one submission).

Conditions:
VSIG4-related disorder. Also called: VSIG4-related condition.

gnomAD v4.1: 1 of 1,193,037 alleles (0.000084%); no homozygotes.

Submission:

PreventionGenetics, part of Exact Sciences
Classification: Likely benign for VSIG4-related condition. Last evaluated: 2019-03-14. Review status: no assertion criteria provided. Collection method: clinical testing. Allele origin: germline.
Comment: This variant is classified as likely benign based on ACMG/AMP sequence variant interpretation guidelines (Richards et al. 2015 PMID: 25741868, with internal and published modifications).

NM_007268.3(VSIG4):c.56-4T>C

Gene: VSIG4 (V-set and immunoglobulin domain containing 4; minus strand). Cytogenetic location: Xq12.
Variant type: single nucleotide variant.
Coding change: c.56-4T>C on transcript NM_007268.3 (MANE Select); 4 bases into the intron before coding-DNA position 56, T replaced by C.
Molecular consequence: intron variant.
Genome position (GRCh38, 1-based): chrX:66,033,834, A>G on the plus strand (T>C on the coding strand, the complement: VSIG4 is on the minus strand). VCF-style: chrX-66033834-A-G. GRCh37 (hg19) VCF-style: chrX-65253676-A-G.
Other names: c.56-4T>C (NM_001100431.2, NM_001184831.2, NM_001257403.2 and 1 more transcripts).
Identifiers: ClinVar variation 3046430 (VCV003046430.2), dbSNP rs2519509632, ClinGen allele CA2693939609.